The following is an entry in ClinVar:

ClinVar aggregate classification (germline): Uncertain significance (1 of 4 stars; one submission).

Allele frequency attached by ClinVar (database versions not stated): gnomAD exomes below 0.00001.
gnomAD v4.1: 6 of 1,573,856 alleles (0.00038%); highest among the groups gnomAD compares: Non-Finnish European, 0.00043%; no homozygotes.

Submission:

CeGaT Center for Human Genetics Tuebingen
Classification: Uncertain significance. Last evaluated: 2024-07-01. Review status: criteria provided, single submitter. Criteria: CeGaT Center For Human Genetics Tuebingen Variant Classification Criteria Version 2. Collection method: clinical testing. Allele origin: germline. Affected: yes. Observed: 2 variant alleles.
Comment: CHD8: PM2, PP2

NM_001170629.2(CHD8):c.2735G>A (p.Arg912His)

Gene: CHD8 (chromodomain helicase DNA binding protein 8; minus strand). Cytogenetic location: 14q11.2.
Variant type: single nucleotide variant.
Coding change: c.2735G>A on transcript NM_001170629.2 (MANE Select); coding-DNA position 2735, G replaced by A.
Protein change: p.Arg912His; replaces arginine 912 with histidine.
Molecular consequence: missense variant.
Genome position (GRCh38, 1-based): chr14:21,407,028, C>T on the plus strand (G>A on the coding strand, the complement: CHD8 is on the minus strand). VCF-style: chr14-21407028-C-T. GRCh37 (hg19) VCF-style: chr14-21875187-C-T.
Other names: c.1898G>A, p.Arg633His (NM_020920.4); short protein forms R633H, R912H.
Identifiers: ClinVar variation 3026181 (VCV003026181.22), dbSNP rs2501918132, ClinGen allele CA388874355.